The following is an entry in ClinVar:

ClinVar aggregate classification (germline): Likely benign (1 of 4 stars; one submission).

Conditions:
ABCD3-related disorder. Also called: ABCD3-related condition.

Submission:

PreventionGenetics, part of Exact Sciences
Classification: Likely benign for ABCD3-related condition. Last evaluated: 2026-04-21. Review status: criteria provided, single submitter. Criteria: ACMG Guidelines, 2015. Collection method: clinical testing. Allele origin: germline.
Comment: This variant is classified as likely benign based on ACMG/AMP sequence variant interpretation guidelines (Richards et al. 2015 PMID: 25741868, with internal and published modifications).

NM_002858.4(ABCD3):c.1773T>C (p.Phe591=)

Gene: ABCD3 (ATP binding cassette subfamily D member 3; plus strand). Cytogenetic location: 1p21.3.
Variant type: single nucleotide variant.
Coding change: c.1773T>C on transcript NM_002858.4 (MANE Select); coding-DNA position 1773, T replaced by C.
Protein change: p.Phe591=; no amino-acid change (phenylalanine 591 retained).
Molecular consequence: synonymous variant.
Genome position (GRCh38, 1-based): chr1:94,506,570, T>C. VCF-style: chr1-94506570-T-C. GRCh37 (hg19) VCF-style: chr1-94972126-T-C.
Identifiers: ClinVar variation 4990791 (VCV004990791.1).
Genomic context (GRCh38, chr1:94,506,570, plus strand): 5'-TACACAAAAAATTTTTTTTATGCTTCAGATGGCAAGATTATTTTATCATAAACCCCAGTT[T>C]GCCATTTTGGATGAATGCACAAGTGCAGTTAGTGTCGACGTGGAAGGCTACATTTATAGT-3'
Protein context (NP_002849.1, residues 581-601): MARLFYHKPQ[Phe591=]AILDECTSAV